The following is an entry in ClinVar:

ClinVar aggregate classification (germline): Conflicting classifications of pathogenicity. Review status: criteria provided, conflicting classifications (1 of 4 stars). 4 submissions from 4 submitters: Uncertain significance (2); Likely benign (1). 1 of the submissions does not count toward it. Last evaluated 2024-12-04.

Conditions:
MYH14-related disorder. Also called: MYH14-related condition.

Allele frequency attached by ClinVar (database versions not stated): gnomAD 0.00004; ExAC 0.00005; TOPMed 0.00008; gnomAD exomes 0.00011.
gnomAD v4.1: 41 of 1,554,400 alleles (0.0026%); highest among the groups gnomAD compares: Admixed American, 0.048%; no homozygotes.

Submissions (4):

Women's Health and Genetics/Laboratory Corporation of America, LabCorp
Classification: Likely benign. Last evaluated: 2024-12-04. Review status: criteria provided, single submitter. Criteria: LabCorp Variant Classification Summary - May 2015. Collection method: clinical testing. Allele origin: germline.
Comment: Variant summary: MYH14 c.68C>T (p.Ala23Val) results in a non-conservative amino acid change in the encoded protein sequence. Four of five in-silico tools predict a benign effect of the variant on protein function. The variant allele was found at a frequency of 0.00011 in 150350 control chromosomes. The observed variant frequency is approximately 180 fold of the estimated maximal expected allele frequency for a pathogenic variant in MYH14 causing Autosomal dominant nonsyndromic hearing loss 4A phenotype (6.3e-07). To our knowledge, no occurrence of c.68C>T in individuals affected with Autosomal dominant nonsyndromic hearing loss 4A and no experimental evidence demonstrating its impact on protein function have been reported. ClinVar contains an entry for this variant (Variation ID: 1308322). Based on the evidence outlined above, the variant was classified as likely benign.

Labcorp Genetics (formerly Invitae), Labcorp
Classification: Uncertain significance. Last evaluated: 2024-10-17. Review status: criteria provided, single submitter. Criteria: Invitae Variant Classification Sherloc (09022015). Collection method: clinical testing. Allele origin: germline.
Comment: This sequence change replaces alanine, which is neutral and non-polar, with valine, which is neutral and non-polar, at codon 23 of the MYH14 protein (p.Ala23Val). This variant is present in population databases (rs765789880, gnomAD 0.06%), and has an allele count higher than expected for a pathogenic variant. This variant has not been reported in the literature in individuals affected with MYH14-related conditions. ClinVar contains an entry for this variant (Variation ID: 1308322). An algorithm developed to predict the effect of missense changes on protein structure and function (PolyPhen-2) suggests that this variant is likely to be disruptive. In summary, the available evidence is currently insufficient to determine the role of this variant in disease. Therefore, it has been classified as a Variant of Uncertain Significance.

GeneDx
Classification: Uncertain significance. Last evaluated: 2019-04-08. Review status: criteria provided, single submitter. Criteria: GeneDx Variant Classification Process June 2021. Collection method: clinical testing. Allele origin: germline. Affected: yes.
Comment: In silico analysis, which includes protein predictors and evolutionary conservation, supports that this variant does not alter protein structure/function; Has not been previously published as pathogenic or benign to our knowledge

PreventionGenetics, part of Exact Sciences
Classification: Likely benign for MYH14-related condition. Last evaluated: 2023-11-29. Review status: no assertion criteria provided. Collection method: clinical testing. Allele origin: germline. Not counted in ClinVar's aggregate classification.
Comment: This variant is classified as likely benign based on ACMG/AMP sequence variant interpretation guidelines (Richards et al. 2015 PMID: 25741868, with internal and published modifications).

NM_001145809.2(MYH14):c.68C>T (p.Ala23Val)

Gene: MYH14 (myosin heavy chain 14; plus strand). Cytogenetic location: 19q13.33.
Variant type: single nucleotide variant.
Coding change: c.68C>T on transcript NM_001145809.2 (MANE Select); coding-DNA position 68, C replaced by T.
Protein change: p.Ala23Val; replaces alanine 23 with valine.
Molecular consequence: missense variant.
Genome position (GRCh38, 1-based): chr19:50,210,433, C>T. VCF-style: chr19-50210433-C-T. GRCh37 (hg19) VCF-style: chr19-50713690-C-T.
Other names: c.68C>T, p.Ala23Val (NM_001077186.2, NM_024729.4); c.68C>T (NM_001145809.1); short protein forms A23V.
Identifiers: ClinVar variation 1308322 (VCV001308322.9), dbSNP rs765789880, ClinGen allele CA9592185.